The following is an entry in ClinVar:

NM_018055.5(NODAL):c.591C>A (p.Tyr197Ter)

Gene: NODAL (nodal growth differentiation factor; minus strand). Cytogenetic location: 10q22.1.
Variant type: single nucleotide variant.
Coding change: c.591C>A on transcript NM_018055.5 (MANE Select); coding-DNA position 591, C replaced by A.
Protein change: p.Tyr197Ter; replaces tyrosine 197 with a stop codon.
Molecular consequence: nonsense.
Genome position (GRCh38, 1-based): chr10:70,435,586, G>T on the plus strand (C>A on the coding strand, the complement: NODAL is on the minus strand). VCF-style: chr10-70435586-G-T. GRCh37 (hg19) VCF-style: chr10-72195342-G-T.
Other names: c.192C>A, p.Tyr64Ter (NM_001329906.2); short protein forms Y197*, Y64*.
Identifiers: ClinVar variation 986360 (VCV000986360.1), dbSNP rs1589152355, ClinGen allele CA376945816.

ClinVar aggregate classification (germline): Pathogenic (1 of 4 stars; one submission).

Conditions:
Heterotaxy, visceral, 5, autosomal (HTX5). Also called: Heterotaxy, visceral, 5. Identifiers: Orphanet 450, MedGen C3495537, MONDO:0700112, OMIM 270100.

Submission:

Rady Children's Institute for Genomic Medicine, Rady Children's Hospital San Diego
Classification: Pathogenic for HETEROTAXY, VISCERAL, 5, AUTOSOMAL. Last evaluated: 2019-08-21. Review status: criteria provided, single submitter. Criteria: ACMG Guidelines, 2015. Collection method: clinical testing. Allele origin: germline. Affected: yes.
Comment: This nonsense variant found in exon 2 of 3 is predicted to result in loss of normal protein function. This variant has not been previously reported or functionally characterized in the literature to our knowledge. It is absent from the ExAC and gnomAD population databases and thus is presumed to be rare. Analysis of the parental samples was negative for the variant, indicating this variant likely occurred as a de novo event. Based on the available evidence, the c.591C>A (p.Tyr197Ter) variant is classified as Pathogenic.